The following is an entry in ClinVar:

ClinVar aggregate classification (germline): Uncertain significance (1 of 4 stars; one submission).

Conditions:
Cardiovascular phenotype. Identifiers: MedGen CN230736.

Submission:

Ambry Genetics
Classification: Uncertain significance for Cardiovascular phenotype. Last evaluated: 2025-06-17. Review status: criteria provided, single submitter. Criteria: Ambry Variant Classification Scheme 2023. Collection method: clinical testing. Allele origin: germline.
Comment: The p.T431N variant (also known as c.1292C>A), located in coding exon 8 of the TBX5 gene, results from a C to A substitution at nucleotide position 1292. The threonine at codon 431 is replaced by asparagine, an amino acid with similar properties. This amino acid position is conserved. In addition, this alteration is predicted to be tolerated by in silico analysis. Based on the available evidence, the clinical significance of this variant remains unclear.

NM_181486.4(TBX5):c.1292C>A (p.Thr431Asn)

Gene: TBX5 (T-box transcription factor 5; minus strand). Cytogenetic location: 12q24.21.
Variant type: single nucleotide variant.
Coding change: c.1292C>A on transcript NM_181486.4 (MANE Select); coding-DNA position 1292, C replaced by A.
Protein change: p.Thr431Asn; replaces threonine 431 with asparagine.
Molecular consequence: missense variant.
Genome position (GRCh38, 1-based): chr12:114,355,797, G>T on the plus strand (C>A on the coding strand, the complement: TBX5 is on the minus strand). VCF-style: chr12-114355797-G-T. GRCh37 (hg19) VCF-style: chr12-114793602-G-T.
Other names: c.1292C>A, p.Thr431Asn (NM_000192.3); c.1142C>A, p.Thr381Asn (NM_080717.4); short protein forms T381N, T431N.
Identifiers: ClinVar variation 4181305 (VCV004181305.1).